The following is an entry in ClinVar:

ClinVar aggregate classification (germline): Pathogenic/Likely pathogenic. Review status: criteria provided, multiple submitters, no conflicts (2 of 4 stars). 4 submissions from 4 submitters: Pathogenic (3); Likely pathogenic (1). Last evaluated 2025-01-19.

Conditions:
RHO-related disorder. Also called: RHO-related condition.
Retinal dystrophy. Also called: Inherited retinal dystrophy. Identifiers: Orphanet 71862, MedGen C0854723, MeSH D058499, MONDO:0019118, HP:0000556.

Submissions (4):

Labcorp Genetics (formerly Invitae), Labcorp
Classification: Pathogenic. Last evaluated: 2025-01-19. Review status: criteria provided, single submitter. Criteria: Invitae Variant Classification Sherloc (09022015). Collection method: clinical testing. Allele origin: germline.
Comment: This sequence change replaces proline, which is neutral and non-polar, with alanine, which is neutral and non-polar, at codon 180 of the RHO protein (p.Pro180Ala). This variant is not present in population databases (gnomAD no frequency). This missense change has been observed in individuals with sporadic or autosomal dominant retinitis pigmentosa (PMID: 11139241, 17014888; internal data). ClinVar contains an entry for this variant (Variation ID: 865884). Invitae Evidence Modeling of protein sequence and biophysical properties (such as structural, functional, and spatial information, amino acid conservation, physicochemical variation, residue mobility, and thermodynamic stability) has been performed for this missense variant. However, the output from this modeling did not meet the statistical confidence thresholds required to predict the impact of this variant on RHO protein function. Experimental studies have shown that this missense change affects RHO function (PMID: 30240733). This variant disrupts the p.Pro180 amino acid residue in RHO. Other variant(s) that disrupt this residue have been determined to be pathogenic (PMID: 22334370). This suggests that this residue is clinically significant, and that variants that disrupt this residue are likely to be disease-causing. For these reasons, this variant has been classified as Pathogenic.

CeGaT Center for Human Genetics Tuebingen
Classification: Pathogenic. Last evaluated: 2022-12-01. Review status: criteria provided, single submitter. Criteria: CeGaT Center For Human Genetics Tuebingen Variant Classification Criteria Version 2. Collection method: clinical testing. Allele origin: germline. Affected: yes. Observed: 1 variant allele.
Comment: RHO: PM1, PM2, PM5, PS4:Moderate, PP4, PS3:Supporting

Blueprint Genetics
Classification: Pathogenic for RHO-related disorders. Last evaluated: 2021-11-15. Review status: criteria provided, single submitter. Criteria: ACMG Guidelines, 2015. Collection method: clinical testing. Allele origin: germline. Affected: yes. Observed: 5 variant alleles.

Institute of Human Genetics, Univ. Regensburg, Univ. Regensburg
Classification: Likely pathogenic for Retinal dystrophy. Last evaluated: 2015-01-01. Review status: criteria provided, single submitter. Criteria: ACMG Guidelines, 2015. Collection method: clinical testing. Allele origin: germline. Affected: yes.

Literature cited by the submitters: PubMed 11139241 (cited by Labcorp Genetics (formerly Invitae), Labcorp and Institute of Human Genetics, Univ. Regensburg, Univ. Regensburg); PubMed 17014888 (cited by Labcorp Genetics (formerly Invitae), Labcorp); PubMed 30240733 (cited by Labcorp Genetics (formerly Invitae), Labcorp); PubMed 22334370 (cited by Labcorp Genetics (formerly Invitae), Labcorp); PubMed 21094163 (cited by Institute of Human Genetics, Univ. Regensburg, Univ. Regensburg); PubMed 30977563 (cited by Institute of Human Genetics, Univ. Regensburg, Univ. Regensburg).

NM_000539.3(RHO):c.538C>G (p.Pro180Ala)

Gene: RHO (rhodopsin; plus strand). Cytogenetic location: 3q22.1.
Variant type: single nucleotide variant.
Coding change: c.538C>G on transcript NM_000539.3 (MANE Select); coding-DNA position 538, C replaced by G.
Protein change: p.Pro180Ala; replaces proline 180 with alanine.
Molecular consequence: missense variant.
Genome position (GRCh38, 1-based): chr3:129,532,258, C>G. VCF-style: chr3-129532258-C-G. GRCh37 (hg19) VCF-style: chr3-129251101-C-G.
Other names: short protein forms P180A.
Identifiers: ClinVar variation 865884 (VCV000865884.39), dbSNP rs1560046837, ClinGen allele CA354499102.
Genomic context (GRCh38, chr3:129,532,258, plus strand): 5'-TGGCTGTTCCCAAGTCCCTCACAGGCAGGGTCTCCCTACCTGCCTGTCCTCAGGTACATC[C>G]CCGAGGGCCTGCAGTGCTCGTGTGGAATCGACTACTACACGCTCAAGCCGGAGGTCAACA-3'
Protein context (NP_000530.1, residues 170-190): PPLAGWSRYI[Pro180Ala]EGLQCSCGID